The following is an entry in ClinVar:

ClinVar aggregate classification (germline): Pathogenic (1 of 4 stars; one submission).

Conditions:
Intellectual developmental disorder, autosomal dominant 72 (MRD72). Identifiers: Orphanet 652487, MedGen C5830612, MONDO:0957397, OMIM 620439.

Submission:

3billion
Classification: Pathogenic for Intellectual developmental disorder, autosomal dominant 72. Last evaluated: 2023-07-21. Review status: criteria provided, single submitter. Criteria: ACMG Guidelines, 2015. Collection method: clinical testing. Allele origin: germline. Affected: yes.
Comment: The variant is not observed in the gnomAD v2.1.1 dataset. Predicted Consequence/Location: Stop-gained (nonsense): predicted to result in a loss or disruption of normal protein function through nonsense-mediated decay (NMD) or protein truncation. Multiple pathogenic variants are reported downstream of the variant. Therefore, this variant is classified as Pathogenic according to the recommendation of ACMG/AMP guideline.

NM_016333.4(SRRM2):c.6007C>T (p.Arg2003Ter)

Gene: SRRM2 (serine/arginine repetitive matrix 2; plus strand). Cytogenetic location: 16p13.3.
Variant type: single nucleotide variant.
Coding change: c.6007C>T on transcript NM_016333.4 (MANE Select); coding-DNA position 6007, C replaced by T.
Protein change: p.Arg2003Ter; replaces arginine 2003 with a stop codon.
Molecular consequence: nonsense.
Genome position (GRCh38, 1-based): chr16:2,766,535, C>T. VCF-style: chr16-2766535-C-T. GRCh37 (hg19) VCF-style: chr16-2816536-C-T.
Other names: short protein forms R2003*.
Identifiers: ClinVar variation 3775579 (VCV003775579.1).